The following is an entry in ClinVar:

ClinVar aggregate classification (germline): Uncertain significance. Review status: criteria provided, single submitter (1 of 4 stars). 2 submissions from 2 submitters: Uncertain significance (1). 1 of the submissions does not count toward it. Last evaluated 2024-01-19.

Conditions:
ZFHX2-related disorder. Also called: ZFHX2-related condition.

Allele frequency attached by ClinVar (database versions not stated): ExAC 0.00007; gnomAD exomes 0.00009; 1000 Genomes Project 30x 0.00047; gnomAD 0.00090; TOPMed 0.00102.
gnomAD v4.1: 263 of 1,536,140 alleles (0.017%); highest among the groups gnomAD compares: African/African-American, 0.32%; 2 homozygotes.

Submissions (2):

Ambry Genetics
Classification: Uncertain significance. Last evaluated: 2024-01-19. Review status: criteria provided, single submitter. Criteria: Ambry Variant Classification Scheme 2023. Collection method: clinical testing. Allele origin: germline.

PreventionGenetics, part of Exact Sciences
Classification: Likely benign for ZFHX2-related condition. Last evaluated: 2019-11-14. Review status: no assertion criteria provided. Collection method: clinical testing. Allele origin: germline. Not counted in ClinVar's aggregate classification.
Comment: This variant is classified as likely benign based on ACMG/AMP sequence variant interpretation guidelines (Richards et al. 2015 PMID: 25741868, with internal and published modifications).

NM_033400.3(ZFHX2):c.436G>A (p.Glu146Lys)

Genes: THTPA (thiamine triphosphatase; plus strand), ZFHX2 (zinc finger homeobox 2; minus strand). Cytogenetic location: 14q11.2.
Variant type: single nucleotide variant.
Coding change: c.436G>A on transcript NM_033400.3 (MANE Select); coding-DNA position 436, G replaced by A.
Protein change: p.Glu146Lys; replaces glutamic acid 146 with lysine.
Molecular consequence: missense variant.
Genome position (GRCh38, 1-based): chr14:23,534,890, C>T on the plus strand (G>A on the coding strand, the complement: ZFHX2 is on the minus strand). VCF-style: chr14-23534890-C-T. GRCh37 (hg19) VCF-style: chr14-24004099-C-T.
Other names: short protein forms E146K.
Identifiers: ClinVar variation 2342568 (VCV002342568.4), dbSNP rs61741593, ClinGen allele CA7117167.